The following is an entry in ClinVar:

ClinVar aggregate classification (germline): Uncertain significance (1 of 4 stars; one submission).

Conditions:
Werner syndrome (WRN). Identifiers: Orphanet 902, MedGen C0043119, MONDO:0010196, OMIM 277700.

Allele frequency attached by ClinVar (database versions not stated): gnomAD exomes 0.00001.
gnomAD v4.1: 13 of 1,613,964 alleles (0.00081%); highest among the groups gnomAD compares: Non-Finnish European, 0.0011%; no homozygotes.

Submission:

Labcorp Genetics (formerly Invitae), Labcorp
Classification: Uncertain significance for Werner syndrome. Last evaluated: 2019-02-06. Review status: criteria provided, single submitter. Criteria: Invitae Variant Classification Sherloc (09022015). Collection method: clinical testing. Allele origin: germline.
Comment: In summary, the available evidence is currently insufficient to determine the role of this variant in disease. Therefore, it has been classified as a Variant of Uncertain Significance. Algorithms developed to predict the effect of sequence changes on RNA splicing suggest that this variant may create or strengthen a splice site, but this prediction has not been confirmed by published transcriptional studies. Algorithms developed to predict the effect of missense changes on protein structure and function (SIFT, PolyPhen-2, Align-GVGD) all suggest that this variant is likely to be tolerated, but these predictions have not been confirmed by published functional studies and their clinical significance is uncertain. This variant has not been reported in the literature in individuals with WRN-related conditions. This variant is not present in population databases (ExAC no frequency). This sequence change replaces leucine with valine at codon 351 of the WRN protein (p.Leu351Val). The leucine residue is weakly conserved and there is a small physicochemical difference between leucine and valine.

NM_000553.6(WRN):c.1051C>G (p.Leu351Val)

Gene: WRN (WRN RecQ like helicase; plus strand). Cytogenetic location: 8p12.
Variant type: single nucleotide variant.
Coding change: c.1051C>G on transcript NM_000553.6 (MANE Select); coding-DNA position 1051, C replaced by G.
Protein change: p.Leu351Val; replaces leucine 351 with valine.
Molecular consequence: missense variant.
Genome position (GRCh38, 1-based): chr8:31,081,078, C>G. VCF-style: chr8-31081078-C-G. GRCh37 (hg19) VCF-style: chr8-30938594-C-G.
Other names: short protein forms L351V.
Identifiers: ClinVar variation 843184 (VCV000843184.5), dbSNP rs1813289767, ClinGen allele CA370920444.